The following is an entry in ClinVar:

ClinVar aggregate classification (germline): Uncertain significance. Review status: criteria provided, multiple submitters, no conflicts (2 of 4 stars). 2 submissions from 2 submitters: Uncertain significance (2). Last evaluated 2025-01-18.

Conditions:
Mosaic variegated aneuploidy syndrome 2 (MVA2). Identifiers: Orphanet 1052, MedGen C3279843, MONDO:0013582, OMIM 614114.
Inborn genetic diseases. Identifiers: MedGen C0950123, MeSH D030342.

Submissions (2):

Ambry Genetics
Classification: Uncertain significance for Inborn genetic diseases. Last evaluated: 2025-01-18. Review status: criteria provided, single submitter. Criteria: Ambry Variant Classification Scheme 2023. Collection method: clinical testing. Allele origin: germline.
Comment: The p.S184R variant (also known as c.552C>A), located in coding exon 5 of the CEP57 gene, results from a C to A substitution at nucleotide position 552. The serine at codon 184 is replaced by arginine, an amino acid with dissimilar properties. This amino acid position is conserved. In addition, this alteration is predicted to be tolerated by in silico analysis. Based on the available evidence, the clinical significance of this variant remains unclear.

Labcorp Genetics (formerly Invitae), Labcorp
Classification: Uncertain significance for Mosaic variegated aneuploidy syndrome 2. Last evaluated: 2019-06-25. Review status: criteria provided, single submitter. Criteria: Invitae Variant Classification Sherloc (09022015). Collection method: clinical testing. Allele origin: germline.
Comment: In summary, the available evidence is currently insufficient to determine the role of this variant in disease. Therefore, it has been classified as a Variant of Uncertain Significance. Algorithms developed to predict the effect of missense changes on protein structure and function are either unavailable or do not agree on the potential impact of this missense change (SIFT: "Deleterious"; PolyPhen-2: "Benign"; Align-GVGD: "Class C0"). This variant has not been reported in the literature in individuals with CEP57-related conditions. This variant is not present in population databases (ExAC no frequency). This sequence change replaces serine with arginine at codon 184 of the CEP57 protein (p.Ser184Arg). The serine residue is moderately conserved and there is a moderate physicochemical difference between serine and arginine.

NM_014679.5(CEP57):c.552C>A (p.Ser184Arg)

Gene: CEP57 (centrosomal protein 57; plus strand). Cytogenetic location: 11q21.
Variant type: single nucleotide variant.
Coding change: c.552C>A on transcript NM_014679.5 (MANE Select); coding-DNA position 552, C replaced by A.
Protein change: p.Ser184Arg; replaces serine 184 with arginine.
Molecular consequence: missense variant.
Genome position (GRCh38, 1-based): chr11:95,817,834, C>A. VCF-style: chr11-95817834-C-A. GRCh37 (hg19) VCF-style: chr11-95550998-C-A.
Other names: c.525C>A, p.Ser175Arg (NM_001243776.2); c.552C>A, p.Ser184Arg (NM_001243777.2); c.471C>A, p.Ser157Arg (NM_001363604.2); short protein forms S175R, S157R, S184R.
Identifiers: ClinVar variation 945524 (VCV000945524.10), dbSNP rs765801435, ClinGen allele CA382422853.
Genomic context (GRCh38, chr11:95,817,834, plus strand): 5'-TATTGTTTTTCAGGTTTCCCTAGAAAGAGAACGACAACATGATCAAACACATGTTCAGAG[C>A]CAACTTGAAAAATTGGATCTTCTTGAACAGGAGTATAACAAACTTACCACAATGCAGGCC-3'
Protein context (NP_055494.2, residues 174-194): ERQHDQTHVQ[Ser184Arg]QLEKLDLLEQ